The following is an entry in ClinVar:

ClinVar aggregate classification (germline): Likely pathogenic (0 of 4 stars; one submission).

Conditions:
VWA1-related disorder. Also called: VWA1-related condition.

Submission:

PreventionGenetics, part of Exact Sciences
Classification: Likely pathogenic for VWA1-related condition. Last evaluated: 2024-02-08. Review status: no assertion criteria provided. Collection method: clinical testing. Allele origin: germline.
Comment: The VWA1 c.52_71dup20 variant is predicted to result in a frameshift and premature protein termination (p.Gly25Argfs*18). To our knowledge, this variant has not been reported in the literature or in a large population database, indicating this variant is rare. Frameshift variants in VWA1 are expected to be pathogenic. This variant is interpreted as likely pathogenic.

NM_022834.5(VWA1):c.52_71dup (p.Gly25fs)

Gene: VWA1 (von Willebrand factor A domain containing 1; plus strand). Cytogenetic location: 1p36.33.
Variant type: Microsatellite.
Coding change: c.52_71dup on transcript NM_022834.5 (MANE Select); coding-DNA positions 52 to 71, 20 bases duplicated (GCGCGGAGCGGCGCGGAGCG).
Protein change: p.Gly25fs; shifts the reading frame from glycine 25.
Molecular consequence: frameshift variant.
Genome position (GRCh38, 1-based): chr1:1,435,800-1,435,819, GCGCGGAGCGGCGCGGAGCG duplicated; duplicating any 20 consecutive bases within chr1:1,435,799-1,435,819 gives the same sequence; the c. name uses the placement nearest the transcript's 3' end. VCF-style (leftmost placement, unchanged base first): chr1-1435798-T-TGGCGCGGAGCGGCGCGGAGC. GRCh37 (hg19) VCF-style: chr1-1371178-T-TGGCGCGGAGCGGCGCGGAGC.
Other names: c.52_71dup, p.Gly25fs (NM_199121.3); short protein forms G25fs.
Identifiers: ClinVar variation 3031419 (VCV003031419.2), dbSNP rs749383814, ClinGen allele CA1148922352.
Genomic context (GRCh38, chr1:1,435,798, plus strand): 5'-CCTCGCGCGCGATGCTCCCCTGGACGGCGCTCGGCCTGGCCCTGAGCTTGCGGCTGGCGC[T>TGGCGCGGAGCGGCGCGGAGC]GGCGCGGAGCGGCGCGGAGCGCGGTGAGTGCGGCGGGCGGCCGGGCCGGGGCTGGGGCTT-3'